The following is an entry in ClinVar:

ClinVar aggregate classification (germline): Likely benign (0 of 4 stars; one submission).

Conditions:
SEMA3G-related disorder. Also called: SEMA3G-related condition.

gnomAD v4.1: 6 of 1,613,868 alleles (0.00037%); highest among the groups gnomAD compares: Middle Eastern, 0.016%; no homozygotes.

Submission:

PreventionGenetics, part of Exact Sciences
Classification: Likely benign for SEMA3G-related condition. Last evaluated: 2022-12-07. Review status: no assertion criteria provided. Collection method: clinical testing. Allele origin: germline.
Comment: This variant is classified as likely benign based on ACMG/AMP sequence variant interpretation guidelines (Richards et al. 2015 PMID: 25741868, with internal and published modifications).

NM_020163.3(SEMA3G):c.1401C>T (p.Ile467=)

Gene: SEMA3G (semaphorin 3G; minus strand). Cytogenetic location: 3p21.1.
Variant type: single nucleotide variant.
Coding change: c.1401C>T on transcript NM_020163.3 (MANE Select); coding-DNA position 1401, C replaced by T.
Protein change: p.Ile467=; no amino-acid change (isoleucine 467 retained).
Molecular consequence: synonymous variant.
Genome position (GRCh38, 1-based): chr3:52,439,746, G>A on the plus strand (C>T on the coding strand, the complement: SEMA3G is on the minus strand). VCF-style: chr3-52439746-G-A. GRCh37 (hg19) VCF-style: chr3-52473762-G-A.
Identifiers: ClinVar variation 3351427 (VCV003351427.1).
Genomic context (GRCh38, chr3:52,439,746, plus strand): 5'-CACCTGGAGCTCCTCCAGAACCACTTCCTCAGGTTCAGCTGAGCCCCCTGCCTGGAGAGC[G>A]ATGACTTTGAGCACAGACCCTGAGTCTGGGGCCAGGGAGGAGGGGTCAGCGGGACAGGAG-3'
Protein context (NP_064548.1, residues 457-477): GTDSGSVLKV[Ile467=]ALQAGGSAEP